The following is an entry in ClinVar:

ClinVar aggregate classification (germline): Uncertain significance. Review status: criteria provided, multiple submitters, no conflicts (2 of 4 stars). 4 submissions from 4 submitters: Uncertain significance (4). Last evaluated 2025-12-11.

Conditions:
Hereditary cancer-predisposing syndrome. Also called: Hereditary neoplastic syndrome; Tumor predisposition; Hereditary Cancer Syndrome; Neoplastic Syndromes, Hereditary. Identifiers: Orphanet 140162, MedGen C0027672, MeSH D009386, MONDO:0015356.
POLD1-related polyposis and colorectal cancer syndrome (CRCS10). Also called: Colorectal cancer, susceptibility to, 10; Colorectal cancer 10; COLORECTAL CANCER, SUSCEPTIBILITY TO, ON CHROMOSOME 19q. Identifiers: Orphanet 220460, MedGen C2675481, MONDO:0012953, OMIM 612591.
POLD1-related disorder. Also called: POLD1-related disorders; POLD1-related condition.

Allele frequency attached by ClinVar (database versions not stated): gnomAD 0.00001; gnomAD exomes 0.00001.
gnomAD v4.1: 9 of 1,606,782 alleles (0.00056%); highest among the groups gnomAD compares: Admixed American, 0.0017%; no homozygotes.

Submissions (4):

Ambry Genetics
Classification: Uncertain significance for Hereditary cancer-predisposing syndrome. Last evaluated: 2025-12-11. Review status: criteria provided, single submitter. Criteria: Ambry Variant Classification Scheme 2023. Collection method: clinical testing. Allele origin: germline.
Comment: The p.S1052L variant (also known as c.3155C>T), located in coding exon 25 of the POLD1 gene, results from a C to T substitution at nucleotide position 3155. The serine at codon 1052 is replaced by leucine, an amino acid with dissimilar properties. This amino acid position is conserved. In addition, this alteration is predicted to be tolerated by in silico analysis. Since supporting evidence is limited at this time, the clinical significance of this alteration remains unclear.

Labcorp Genetics (formerly Invitae), Labcorp
Classification: Uncertain significance for POLD1-related polyposis and colorectal cancer syndrome. Last evaluated: 2025-09-10. Review status: criteria provided, single submitter. Criteria: Invitae Variant Classification Sherloc (09022015). Collection method: clinical testing. Allele origin: germline.
Comment: This sequence change replaces serine, which is neutral and polar, with leucine, which is neutral and non-polar, at codon 1052 of the POLD1 protein (p.Ser1052Leu). The frequency data for this variant in the population databases is considered unreliable, as metrics indicate poor data quality at this position in the gnomAD database. This variant has not been reported in the literature in individuals affected with POLD1-related conditions. ClinVar contains an entry for this variant (Variation ID: 640882). Invitae Evidence Modeling of protein sequence and biophysical properties (such as structural, functional, and spatial information, amino acid conservation, physicochemical variation, residue mobility, and thermodynamic stability) indicates that this missense variant is not expected to disrupt POLD1 protein function with a negative predictive value of 80%. In summary, the available evidence is currently insufficient to determine the role of this variant in disease. Therefore, it has been classified as a Variant of Uncertain Significance.

PreventionGenetics, part of Exact Sciences
Classification: Uncertain significance for POLD1-related condition. Last evaluated: 2025-03-12. Review status: criteria provided, single submitter. Criteria: ACMG Guidelines, 2015. Collection method: clinical testing. Allele origin: germline.
Comment: The POLD1 c.3155C>T variant is predicted to result in the amino acid substitution p.Ser1052Leu. To our knowledge, this variant has not been reported in the literature. This variant is reported in 0.0030% of alleles in individuals of Latino descent in gnomAD and is interpreted as a variant of uncertain significance in ClinVar. At this time, the clinical significance of this variant is uncertain due to the absence of conclusive functional and genetic evidence.

GeneDx
Classification: Uncertain significance. Last evaluated: 2022-10-27. Review status: criteria provided, single submitter. Criteria: GeneDx Variant Classification Process June 2021. Collection method: clinical testing. Allele origin: germline. Affected: yes.
Comment: Not observed at significant frequency in large population cohorts (gnomAD); In silico analysis supports that this missense variant has a deleterious effect on protein structure/function; Has not been previously published as pathogenic or benign to our knowledge; This variant is associated with the following publications: (PMID: 19296856, 31034466)

NM_002691.4(POLD1):c.3155C>T (p.Ser1052Leu)

Gene: POLD1 (DNA polymerase delta 1, catalytic subunit; plus strand). Cytogenetic location: 19q13.33.
Variant type: single nucleotide variant.
Coding change: c.3155C>T on transcript NM_002691.4 (MANE Select); coding-DNA position 3155, C replaced by T.
Protein change: p.Ser1052Leu; replaces serine 1052 with leucine.
Molecular consequence: missense variant. On other transcripts: non-coding transcript variant (1).
Genome position (GRCh38, 1-based): chr19:50,417,206, C>T. VCF-style: chr19-50417206-C-T. GRCh37 (hg19) VCF-style: chr19-50920463-C-T.
Other names: c.3155C>T, p.Ser1052Leu (NM_001256849.1); c.3233C>T, p.Ser1078Leu (NM_001308632.1); short protein forms S1052L, S1078L.
Identifiers: ClinVar variation 640882 (VCV000640882.11), dbSNP rs1005672452, ClinGen allele CA309605619.